The following is an entry in ClinVar:

NM_004370.6(COL12A1):c.6662G>C (p.Cys2221Ser)

Gene: COL12A1 (collagen type XII alpha 1 chain; minus strand). Cytogenetic location: 6q13.
Variant type: single nucleotide variant.
Coding change: c.6662G>C on transcript NM_004370.6 (MANE Select); coding-DNA position 6662, G replaced by C.
Protein change: p.Cys2221Ser; replaces cysteine 2221 with serine.
Molecular consequence: missense variant.
Genome position (GRCh38, 1-based): chr6:75,124,317, C>G on the plus strand (G>C on the coding strand, the complement: COL12A1 is on the minus strand). VCF-style: chr6-75124317-C-G. GRCh37 (hg19) VCF-style: chr6-75834033-C-G.
Other names: c.3170G>C, p.Cys1057Ser (NM_080645.3); short protein forms C2221S, C1057S.
Identifiers: ClinVar variation 1386925 (VCV001386925.6), dbSNP rs2149374223, ClinGen allele CA364728994.

ClinVar aggregate classification (germline): Uncertain significance (1 of 4 stars; one submission).

Conditions:
Ullrich congenital muscular dystrophy 2 (UCMD2). Identifiers: Orphanet 75840, MedGen C4225314, MONDO:0014654, OMIM 616470.
Bethlem myopathy 2 (BTHLM2). Identifiers: Orphanet 536516, Orphanet 610, MedGen C4225313, MONDO:0034022, OMIM 616471.

Submission:

Labcorp Genetics (formerly Invitae), Labcorp
Classification: Uncertain significance for Bethlem myopathy 2; Ullrich congenital muscular dystrophy 2. Last evaluated: 2023-05-22. Review status: criteria provided, single submitter. Criteria: Invitae Variant Classification Sherloc (09022015). Collection method: clinical testing. Allele origin: germline.
Comment: In summary, the available evidence is currently insufficient to determine the role of this variant in disease. Therefore, it has been classified as a Variant of Uncertain Significance. Advanced modeling of protein sequence and biophysical properties (such as structural, functional, and spatial information, amino acid conservation, physicochemical variation, residue mobility, and thermodynamic stability) has been performed at Invitae for this missense variant, however the output from this modeling did not meet the statistical confidence thresholds required to predict the impact of this variant on COL12A1 protein function. ClinVar contains an entry for this variant (Variation ID: 1386925). This variant has not been reported in the literature in individuals affected with COL12A1-related conditions. This variant is not present in population databases (gnomAD no frequency). This sequence change replaces cysteine, which is neutral and slightly polar, with serine, which is neutral and polar, at codon 2221 of the COL12A1 protein (p.Cys2221Ser).